The following is an entry in ClinVar:

NM_001953.5(TYMP):c.1074A>G (p.Arg358=)

Genes: SCO2 (synthesis of cytochrome C oxidase 2; minus strand), TYMP (thymidine phosphorylase; minus strand), LOC130067862 (ATAC-STARR-seq lymphoblastoid silent region 13986; plus strand). Cytogenetic location: 22q13.33.
Variant type: single nucleotide variant.
Coding change: c.1074A>G on transcript NM_001953.5 (MANE Select); coding-DNA position 1074, A replaced by G.
Protein change: p.Arg358=; no amino-acid change (arginine 358 retained).
Molecular consequence: synonymous variant. On other transcripts: 5 prime UTR variant (1).
Genome position (GRCh38, 1-based): chr22:50,526,331, T>C on the plus strand (A>G on the coding strand, the complement: TYMP is on the minus strand). VCF-style: chr22-50526331-T-C. GRCh37 (hg19) VCF-style: chr22-50964760-T-C.
Other names: p.R358R:CGA>CGG; c.1074A>G, p.Arg358= (NM_001113755.3, NM_001113756.3, NM_001257988.1 and 1 more transcripts); c.-99A>G (NM_001169109.2).
Identifiers: ClinVar variation 137874 (VCV000137874.16), dbSNP rs372847627, ClinGen allele CA291576.
Genomic context (GRCh38, chr22:50,526,331, plus strand): 5'-CTGCTCCCGGGCGCGAGGCAGCAGCTGCCGGCGTTCTGCGGGACTTCCCGAGCACAGGGC[T>C]CGGGCCAGACCGGGATCCACGCCCTGCGCCGCCAGCATCCGCTCGAAGCGGCCAAGGGCC-3'
Protein context (NP_001944.1, residues 348-368): AAQGVDPGLA[Arg358=]ALCSGSPAER

ClinVar aggregate classification (germline): Benign/Likely benign. Review status: criteria provided, multiple submitters, no conflicts (2 of 4 stars). 4 submissions from 4 submitters: Benign (2); Likely benign (1). 1 of the submissions does not count toward it. Last evaluated 2026-01-24.

Allele frequency attached by ClinVar (database versions not stated): gnomAD exomes 0.00019 and 0.00012; ESP Exome Variant Server 0.00055; gnomAD 0.00157 and 0.00163; TOPMed 0.00169; 1000 Genomes Project 30x 0.00328; ExAC 0.00049; 1000 Genomes Project 0.00319.
gnomAD v4.1: 410 of 1,562,066 alleles (0.026%); highest among the groups gnomAD compares: African/African-American, 0.53%; no homozygotes.

Submissions (4):

Labcorp Genetics (formerly Invitae), Labcorp
Classification: Benign. Last evaluated: 2026-01-24. Review status: criteria provided, single submitter. Criteria: Invitae Variant Classification Sherloc (09022015). Collection method: clinical testing. Allele origin: germline.

Blueprint Genetics
Classification: Likely benign. Last evaluated: 2024-11-26. Review status: criteria provided, single submitter. Criteria: ACMG Guidelines, 2015. Collection method: clinical testing. Allele origin: germline.

GeneDx
Classification: Benign. Last evaluated: 2012-04-03. Review status: criteria provided, single submitter. Criteria: GeneDx Variant Classification (06012015). Collection method: clinical testing. Allele origin: germline. Affected: yes.
Comment: This variant is considered likely benign or benign based on one or more of the following criteria: it is a conservative change, it occurs at a poorly conserved position in the protein, it is predicted to be benign by multiple in silico algorithms, and/or has population frequency not consistent with disease.

Mayo Clinic Laboratories, Mayo Clinic
Classification: Likely benign. Last evaluated: 2016-03-16. Review status: no assertion criteria provided. Collection method: clinical testing. Allele origin: unknown. Not counted in ClinVar's aggregate classification.